The following is an entry in ClinVar:

ClinVar aggregate classification (germline): Conflicting classifications of pathogenicity. Review status: criteria provided, conflicting classifications (1 of 4 stars). 3 submissions from 3 submitters: Uncertain significance (2); Likely benign (1). Last evaluated 2024-06-20.

Conditions:
Dilated cardiomyopathy 1JJ (CMD1JJ). Identifiers: Orphanet 154, MedGen C3808935, MONDO:0014095, OMIM 615235.
Cardiovascular phenotype. Identifiers: MedGen CN230736.

Allele frequency attached by ClinVar (database versions not stated): gnomAD exomes 0.00001; TOPMed 0.00002.

Submissions (3):

Ambry Genetics
Classification: Likely benign for Cardiovascular phenotype. Last evaluated: 2024-06-20. Review status: criteria provided, single submitter. Criteria: Ambry Variant Classification Scheme 2023. Collection method: clinical testing. Allele origin: germline.

Blueprint Genetics
Classification: Uncertain significance. Last evaluated: 2023-09-19. Review status: criteria provided, single submitter. Criteria: ACMG Guidelines, 2015. Collection method: clinical testing. Allele origin: germline.

Labcorp Genetics (formerly Invitae), Labcorp
Classification: Uncertain significance for Dilated cardiomyopathy 1JJ. Last evaluated: 2022-07-06. Review status: criteria provided, single submitter. Criteria: Invitae Variant Classification Sherloc (09022015). Collection method: clinical testing. Allele origin: germline.
Comment: This sequence change replaces serine, which is neutral and polar, with asparagine, which is neutral and polar, at codon 367 of the LAMA4 protein (p.Ser367Asn). This variant is present in population databases (no rsID available, gnomAD 0.003%). This variant has not been reported in the literature in individuals affected with LAMA4-related conditions. ClinVar contains an entry for this variant (Variation ID: 222679). Algorithms developed to predict the effect of missense changes on protein structure and function are either unavailable or do not agree on the potential impact of this missense change (SIFT: "Deleterious"; PolyPhen-2: "Benign"; Align-GVGD: "Class C0"). In summary, the available evidence is currently insufficient to determine the role of this variant in disease. Therefore, it has been classified as a Variant of Uncertain Significance.

NM_001105206.3(LAMA4):c.1121G>A (p.Ser374Asn)

Gene: LAMA4 (laminin subunit alpha 4; minus strand). Cytogenetic location: 6q21.
Variant type: single nucleotide variant.
Coding change: c.1121G>A on transcript NM_001105206.3 (MANE Select); coding-DNA position 1121, G replaced by A.
Protein change: p.Ser374Asn; replaces serine 374 with asparagine.
Molecular consequence: missense variant.
Genome position (GRCh38, 1-based): chr6:112,178,189, C>T on the plus strand (G>A on the coding strand, the complement: LAMA4 is on the minus strand). VCF-style: chr6-112178189-C-T. GRCh37 (hg19) VCF-style: chr6-112499391-C-T.
Other names: c.1100G>A, p.Ser367Asn (NM_001105207.3, NM_002290.5); c.1100G>A (NM_002290.3); short protein forms S367N, S374N.
Identifiers: ClinVar variation 222679 (VCV000222679.14), dbSNP rs869025449, ClinGen allele CA351711.